The following is an entry in ClinVar:

NM_000316.3(PTH1R):c.1212-2A>T

Gene: PTH1R (parathyroid hormone 1 receptor; plus strand). Cytogenetic location: 3p21.31.
Variant type: single nucleotide variant.
Coding change: c.1212-2A>T on transcript NM_000316.3 (MANE Select); the canonical splice acceptor site of the intron before coding-DNA position 1212, A replaced by T.
Molecular consequence: splice acceptor variant.
Genome position (GRCh38, 1-based): chr3:46,902,524, A>T. VCF-style: chr3-46902524-A-T. GRCh37 (hg19) VCF-style: chr3-46944014-A-T.
Other names: c.1212-2A>T (NM_001184744.1).
Identifiers: ClinVar variation 4762291 (VCV004762291.1).
Genomic context (GRCh38, chr3:46,902,524, plus strand): 5'-TGGCACAATGCTTGTTGAAGGGGAAGTGGCTTGGCCCTGACCTACCTGCCCCGCTGGCCC[A>T]GGAAGCTGCTCAAATCCACGCTGGTGCTCATGCCCCTCTTTGGCGTCCACTACATTGTCT-3'

ClinVar aggregate classification (germline): Likely pathogenic (1 of 4 stars; one submission).

Submission:

Labcorp Genetics (formerly Invitae), Labcorp
Classification: Likely pathogenic. Last evaluated: 2025-05-21. Review status: criteria provided, single submitter. Criteria: Invitae Variant Classification Sherloc (09022015). Collection method: clinical testing. Allele origin: germline.
Comment: This sequence change affects an acceptor splice site in intron 13 of the PTH1R gene. It is expected to disrupt RNA splicing. Variants that disrupt the donor or acceptor splice site typically lead to a loss of protein function (PMID: 16199547), and loss-of-function variants in PTH1R are known to be pathogenic (PMID: 10523019, 17164305, 24058597). This variant is not present in population databases (gnomAD no frequency). This variant has not been reported in the literature in individuals affected with PTH1R-related conditions. Algorithms developed to predict the effect of sequence changes on RNA splicing suggest that this variant may disrupt the consensus splice site. In summary, the currently available evidence indicates that the variant is pathogenic, but additional data are needed to prove that conclusively. Therefore, this variant has been classified as Likely Pathogenic.

Literature cited by the submitters: PubMed 16199547; PubMed 10523019; PubMed 17164305; PubMed 24058597.